The following is an entry in ClinVar:

ClinVar aggregate classification (germline): Uncertain significance (0 of 4 stars; one submission).

Conditions:
EDN3-related disorder. Also called: EDN3-related condition.

Allele frequency attached by ClinVar (database versions not stated): gnomAD exomes below 0.00001.

Submission:

PreventionGenetics, part of Exact Sciences
Classification: Uncertain significance for EDN3-related condition. Last evaluated: 2024-02-23. Review status: no assertion criteria provided. Collection method: clinical testing. Allele origin: germline.
Comment: The EDN3 c.433C>T variant is predicted to result in the amino acid substitution p.Leu145Phe. To our knowledge, this variant has not been reported in the literature. This variant is reported in 0.00088% of alleles in individuals of European (Non-Finnish) descent in gnomAD. At this time, the clinical significance of this variant is uncertain due to the absence of conclusive functional and genetic evidence.

NM_207034.3(EDN3):c.433C>T (p.Leu145Phe)

Gene: EDN3 (endothelin 3; plus strand). Cytogenetic location: 20q13.32.
Variant type: single nucleotide variant.
Coding change: c.433C>T on transcript NM_207034.3 (MANE Select); coding-DNA position 433, C replaced by T.
Protein change: p.Leu145Phe; replaces leucine 145 with phenylalanine.
Molecular consequence: missense variant.
Genome position (GRCh38, 1-based): chr20:59,321,084, C>T. VCF-style: chr20-59321084-C-T. GRCh37 (hg19) VCF-style: chr20-57896139-C-T.
Other names: c.433C>T, p.Leu145Phe (NM_001302455.2, NM_001302456.2, NM_001424361.1 and 4 more transcripts); short protein forms L145F.
Identifiers: ClinVar variation 3051475 (VCV003051475.2), dbSNP rs1464700536, ClinGen allele CA409708391.